The following is an entry in ClinVar:

ClinVar aggregate classification (germline): Uncertain significance (1 of 4 stars; one submission).

Allele frequency attached by ClinVar (database versions not stated): TOPMed below 0.00001; gnomAD 0.00001; ExAC 0.00002; gnomAD exomes 0.00002.
gnomAD v4.1: 31 of 1,613,732 alleles (0.0019%); highest among the groups gnomAD compares: Non-Finnish European, 0.0024%; no homozygotes.

Submission:

Labcorp Genetics (formerly Invitae), Labcorp
Classification: Uncertain significance. Last evaluated: 2025-10-26. Review status: criteria provided, single submitter. Criteria: Invitae Variant Classification Sherloc (09022015). Collection method: clinical testing. Allele origin: germline.
Comment: This sequence change replaces glutamic acid, which is acidic and polar, with aspartic acid, which is acidic and polar, at codon 592 of the CYFIP2 protein (p.Glu592Asp). This variant is present in population databases (rs778090546, gnomAD 0.01%). This variant has not been reported in the literature in individuals affected with CYFIP2-related conditions. ClinVar contains an entry for this variant (Variation ID: 2413711). Experimental studies and prediction algorithms are not available or were not evaluated, and the functional significance of this variant is currently unknown. In summary, the available evidence is currently insufficient to determine the role of this variant in disease. Therefore, it has been classified as a Variant of Uncertain Significance.

NM_001037333.3(CYFIP2):c.1776G>C (p.Glu592Asp)

Gene: CYFIP2 (cytoplasmic FMR1 interacting protein 2; plus strand). Cytogenetic location: 5q33.3.
Variant type: single nucleotide variant.
Coding change: c.1776G>C on transcript NM_001037333.3 (MANE Select); coding-DNA position 1776, G replaced by C.
Protein change: p.Glu592Asp; replaces glutamic acid 592 with aspartic acid.
Molecular consequence: missense variant.
Genome position (GRCh38, 1-based): chr5:157,324,025, G>C. VCF-style: chr5-157324025-G-C. GRCh37 (hg19) VCF-style: chr5-156751033-G-C.
Other names: c.1698G>C, p.Glu566Asp (NM_001291721.2); c.1851G>C, p.Glu617Asp (NM_001291722.2); c.1776G>C, p.Glu592Asp (NM_014376.4); short protein forms E566D, E592D, E617D.
Identifiers: ClinVar variation 2413711 (VCV002413711.6), dbSNP rs778090546, ClinGen allele CA3533683.
Genomic context (GRCh38, chr5:157,324,025, plus strand): 5'-AAGCGGCTCCAAGAAGACCCTGAGGAGCAGCCTGGATGGACCCATTGTCCTCGCCATAGA[G>C]GACTTTCACAAACAGTCCTTCTTCTTCACACATCTGCTCAACATCAGTGGTGAGCTGCAT-3'
Protein context (NP_001032410.1, residues 582-602): SLDGPIVLAI[Glu592Asp]DFHKQSFFFT